The following is an entry in ClinVar:

ClinVar aggregate classification (germline): Uncertain significance. Review status: criteria provided, multiple submitters, no conflicts (2 of 4 stars). 2 submissions from 2 submitters: Uncertain significance (2). Last evaluated 2025-11-08.

Allele frequency attached by ClinVar (database versions not stated): gnomAD exomes 0.00002; ExAC 0.00005; ESP Exome Variant Server 0.00009; gnomAD 0.00016; TOPMed 0.00021.
gnomAD v4.1: 43 of 1,209,407 alleles (0.0036%); highest among the groups gnomAD compares: African/African-American, 0.068%; no homozygotes.

Submissions (2):

Labcorp Genetics (formerly Invitae), Labcorp
Classification: Uncertain significance. Last evaluated: 2025-11-08. Review status: criteria provided, single submitter. Criteria: Invitae Variant Classification Sherloc (09022015). Collection method: clinical testing. Allele origin: germline.
Comment: This sequence change replaces phenylalanine, which is neutral and non-polar, with leucine, which is neutral and non-polar, at codon 282 of the DRP2 protein (p.Phe282Leu). This variant is present in population databases (rs373317724, gnomAD 0.03%). This variant has not been reported in the literature in individuals affected with DRP2-related conditions. ClinVar contains an entry for this variant (Variation ID: 2170661). Invitae Evidence Modeling of protein sequence and biophysical properties (such as structural, functional, and spatial information, amino acid conservation, physicochemical variation, residue mobility, and thermodynamic stability) indicates that this missense variant is not expected to disrupt DRP2 protein function with a negative predictive value of 80%. In summary, the available evidence is currently insufficient to determine the role of this variant in disease. Therefore, it has been classified as a Variant of Uncertain Significance.

Ambry Genetics
Classification: Uncertain significance. Last evaluated: 2024-10-23. Review status: criteria provided, single submitter. Criteria: Ambry Variant Classification Scheme 2023. Collection method: clinical testing. Allele origin: germline.

NM_001939.3(DRP2):c.846C>A (p.Phe282Leu)

Gene: DRP2 (dystrophin related protein 2; plus strand). Cytogenetic location: Xq22.1.
Variant type: single nucleotide variant.
Coding change: c.846C>A on transcript NM_001939.3 (MANE Select); coding-DNA position 846, C replaced by A.
Protein change: p.Phe282Leu; replaces phenylalanine 282 with leucine.
Molecular consequence: missense variant.
Genome position (GRCh38, 1-based): chrX:101,242,342, C>A. VCF-style: chrX-101242342-C-A. GRCh37 (hg19) VCF-style: chrX-100497331-C-A.
Other names: c.846C>A (NM_001939.2); c.612C>A, p.Phe204Leu (NM_001171184.2); short protein forms F282L, F204L.
Identifiers: ClinVar variation 2170661 (VCV002170661.5), dbSNP rs373317724, ClinGen allele CA10472148.